The following is an entry in ClinVar:

ClinVar aggregate classification (germline): Conflicting classifications of pathogenicity. Review status: criteria provided, conflicting classifications (1 of 4 stars). 4 submissions from 4 submitters: Uncertain significance (1); Benign (1); Likely benign (1). 1 of the submissions does not count toward it. Last evaluated 2023-12-13.

Conditions:
Tuberous sclerosis syndrome (TSC). Also called: Tuberous Sclerosis Complex; Tuberous sclerosis. Identifiers: Orphanet 805, MedGen C0041341, MONDO:0001734.
Hereditary cancer-predisposing syndrome. Also called: Tumor predisposition; Hereditary Cancer Syndrome; Neoplastic Syndromes, Hereditary; Hereditary neoplastic syndrome. Identifiers: Orphanet 140162, MedGen C0027672, MeSH D009386, MONDO:0015356.
Tuberous sclerosis 2 (TSC2). Identifiers: Orphanet 805, MedGen C1860707, MONDO:0013199, OMIM 613254.

Allele frequency attached by ClinVar (database versions not stated): ExAC 0.00001; TOPMed 0.00001.
gnomAD v4.1: 4 of 1,612,542 alleles (0.00025%); highest among the groups gnomAD compares: African/African-American, 0.0013%; no homozygotes.

Submissions (4):

All of Us Research Program, National Institutes of Health
Classification: Uncertain significance for Tuberous sclerosis syndrome. Last evaluated: 2023-12-13. Review status: criteria provided, single submitter. Criteria: ACMG Guidelines, 2015. Collection method: clinical testing. Allele origin: germline. Inheritance: Autosomal dominant inheritance. Observed: 1 variant allele, 1 heterozygote.
Comment: This missense variant replaces proline with leucine at codon 1381 of the TSC2 protein. Computational prediction suggests that this variant may not impact protein structure and function (internally defined REVEL score threshold <= 0.5, PMID: 27666373). A functional study demonstrated no effect on TSC1 or TSC2 protein abundance, or on TSC1-TSC2 dependent inhibition of TORC1 activity (PMID: 22903760). This variant has been reported in an individual with suspected tuberous sclerosis complex (PMID: 22903760). This variant has been identified in 1/248882 chromosomes in the general population by the Genome Aggregation Database (gnomAD). The available evidence is insufficient to determine the role of this variant in disease conclusively. Therefore, this variant is classified as a Variant of Uncertain Significance.

This study involves interpretation of variants in research participants for the purpose of population health screening. Participant phenotype was not available at the time of variant classification. Additional details can be found in publication PMID: 35346344, PMCID: PMC8962531

Labcorp Genetics (formerly Invitae), Labcorp
Classification: Benign for Tuberous sclerosis 2. Last evaluated: 2023-07-07. Review status: criteria provided, single submitter. Criteria: Invitae Variant Classification Sherloc (09022015). Collection method: clinical testing. Allele origin: germline.

Ambry Genetics
Classification: Likely benign for Hereditary cancer-predisposing syndrome. Last evaluated: 2023-02-02. Review status: criteria provided, single submitter. Criteria: Ambry Variant Classification Scheme 2023. Collection method: clinical testing. Allele origin: germline.

Tuberous sclerosis database (TSC2)
No classification provided. Condition: TSC. Review status: no classification provided. Criteria: Tuberous Sclerosis Database Assertion Criteria 2015. Collection method: curation. Allele origin: germline. Affected: yes. Not counted in ClinVar's aggregate classification.

Literature cited by the submitters: PubMed 22903760 (cited by All of Us Research Program, National Institutes of Health and Ambry Genetics); PubMed 23514105 (cited by Ambry Genetics).

NM_000548.5(TSC2):c.4142C>T (p.Pro1381Leu)

Gene: TSC2 (TSC complex subunit 2; plus strand). Cytogenetic location: 16p13.3.
Variant type: single nucleotide variant.
Coding change: c.4142C>T on transcript NM_000548.5 (MANE Select); coding-DNA position 4142, C replaced by T.
Protein change: p.Pro1381Leu; replaces proline 1381 with leucine.
Molecular consequence: missense variant.
Genome position (GRCh38, 1-based): chr16:2,084,364, C>T. VCF-style: chr16-2084364-C-T. GRCh37 (hg19) VCF-style: chr16-2134365-C-T.
Other names: c.3941C>T, p.Pro1314Leu (NM_001077183.3); c.4073C>T, p.Pro1358Leu (NM_001114382.3); c.3833C>T, p.Pro1278Leu (NM_001318827.2); c.3797C>T, p.Pro1266Leu (NM_001318829.2); c.3410C>T, p.Pro1137Leu (NM_001318831.2); c.3974C>T, p.Pro1325Leu (NM_001318832.2); c.3944C>T, p.Pro1315Leu (NM_001363528.2); c.4010C>T, p.Pro1337Leu (NM_001370404.1); and 1 more; short protein forms P1381L, P1266L, P1278L, P1137L, P1315L, P1337L, P1338L, P1314L.
Identifiers: ClinVar variation 65353 (VCV000065353.12), dbSNP rs397515264, ClinGen allele CA020000.